The following is an entry in ClinVar:

ClinVar aggregate classification (germline): Conflicting classifications of pathogenicity. Review status: criteria provided, conflicting classifications (1 of 4 stars). 4 submissions from 4 submitters: Uncertain significance (1); Likely benign (3). Last evaluated 2026-01-29.

Conditions:
Epilepsy, childhood absence, susceptibility to, 1. Also called: Epilepsy, childhood absence 1. Identifiers: Orphanet 64280, MedGen C1838604, MONDO:0020759, OMIM 600131.
Epilepsy, childhood absence, susceptibility to, 5. Identifiers: Orphanet 64280, MedGen C2677087, MONDO:0012843, OMIM 612269.
Inborn genetic diseases. Identifiers: MedGen C0950123, MeSH D030342.

Allele frequency attached by ClinVar (database versions not stated): gnomAD exomes 0.00002 and 0.00001; gnomAD 0.00001; ExAC 0.00002; ESP Exome Variant Server 0.00008; TOPMed 0.00005.
gnomAD v4.1: 20 of 1,614,072 alleles (0.0012%); highest among the groups gnomAD compares: Admixed American, 0.0033%; no homozygotes.

Submissions (4):

Labcorp Genetics (formerly Invitae), Labcorp
Classification: Likely benign for Epilepsy, childhood absence, susceptibility to, 5; Epilepsy, childhood absence, susceptibility to, 1. Last evaluated: 2026-01-29. Review status: criteria provided, single submitter. Criteria: Invitae Variant Classification Sherloc (09022015). Collection method: clinical testing. Allele origin: germline.

Mayo Clinic Laboratories, Mayo Clinic
Classification: Uncertain significance. Last evaluated: 2025-07-22. Review status: criteria provided, single submitter. Criteria: ACMG Guidelines, 2015. Collection method: clinical testing. Allele origin: germline. Observed: 1 variant allele.

Ambry Genetics
Classification: Likely benign for Inborn genetic diseases. Last evaluated: 2024-09-18. Review status: criteria provided, single submitter. Criteria: Ambry Variant Classification Scheme 2023. Collection method: clinical testing. Allele origin: germline.

GeneDx
Classification: Likely benign. Last evaluated: 2020-09-22. Review status: criteria provided, single submitter. Criteria: GeneDx Variant Classification Process June 2021. Collection method: clinical testing. Allele origin: germline. Affected: yes.
Comment: In silico analysis supports that this missense variant does not alter protein structure/function

NM_000814.6(GABRB3):c.1241G>A (p.Arg414Gln)

Gene: GABRB3 (gamma-aminobutyric acid type A receptor subunit beta3; minus strand). Cytogenetic location: 15q12.
Variant type: single nucleotide variant.
Coding change: c.1241G>A on transcript NM_000814.6 (MANE Select); coding-DNA position 1241, G replaced by A.
Protein change: p.Arg414Gln; replaces arginine 414 with glutamine.
Molecular consequence: missense variant.
Genome position (GRCh38, 1-based): chr15:26,547,974, C>T on the plus strand (G>A on the coding strand, the complement: GABRB3 is on the minus strand). VCF-style: chr15-26547974-C-T. GRCh37 (hg19) VCF-style: chr15-26793121-C-T.
Other names: p.Arg414Gln; c.986G>A, p.Arg329Gln (NM_001191320.2, NM_001278631.2); c.1028G>A, p.Arg343Gln (NM_001191321.3); c.1241G>A, p.Arg414Gln (NM_021912.5); short protein forms R343Q, R329Q, R414Q.
Identifiers: ClinVar variation 676066 (VCV000676066.13), dbSNP rs373229638, ClinGen allele CA7437280.